The following is an entry in ClinVar:

ClinVar aggregate classification (germline): Likely pathogenic (0 of 4 stars; one submission).

Conditions:
TGFB2-related disorder. Also called: TGFB2-related condition.

Submission:

PreventionGenetics, part of Exact Sciences
Classification: Likely pathogenic for TGFB2-related condition. Last evaluated: 2024-07-20. Review status: no assertion criteria provided. Collection method: clinical testing. Allele origin: germline.
Comment: The TGFB2 c.511-1G>C variant is predicted to disrupt the AG splice acceptor site and interfere with normal splicing. To our knowledge, this variant has not been reported in the literature or in a large population database, indicating this variant is rare. This variant is predicted to disrupt a canonical splice site, based on available splicing prediction programs (SpliceAI, Jaganathan et al. 2019. PubMed ID: 30661751);Variants that disrupt the consensus splice acceptor site in TGFB2 are expected to be pathogenic. This variant is interpreted as likely pathogenic.

NM_003238.6(TGFB2):c.511-1G>C

Gene: TGFB2 (transforming growth factor beta 2; plus strand). Cytogenetic location: 1q41.
Variant type: single nucleotide variant.
Coding change: c.511-1G>C on transcript NM_003238.6 (MANE Select); the canonical splice acceptor site of the intron before coding-DNA position 511, G replaced by C.
Molecular consequence: splice acceptor variant.
Genome position (GRCh38, 1-based): chr1:218,434,081, G>C. VCF-style: chr1-218434081-G-C. GRCh37 (hg19) VCF-style: chr1-218607423-G-C.
Other names: c.595-1G>C (NM_001135599.4).
Identifiers: ClinVar variation 3344939 (VCV003344939.1).
Genomic context (GRCh38, chr1:218,434,081, plus strand): 5'-GGTTTAGTCATGCTGTCAGAATGCCAACTCAGCCTTTTCTCTTGCTCTTTTTCCCCTCCA[G>C]ATTCTCAAGTCCAAAGATTTAACATCTCCAACCCAGCGCTACATCGACAGCAAAGTTGTG-3'